The following is an entry in ClinVar:

NM_015340.4(LARS2):c.1779G>C (p.Leu593=)

Gene: LARS2 (leucyl-tRNA synthetase 2, mitochondrial; plus strand). Cytogenetic location: 3p21.31.
Variant type: single nucleotide variant.
Coding change: c.1779G>C on transcript NM_015340.4 (MANE Select); coding-DNA position 1779, G replaced by C.
Protein change: p.Leu593=; no amino-acid change (leucine 593 retained).
Molecular consequence: synonymous variant.
Genome position (GRCh38, 1-based): chr3:45,513,153, G>C. VCF-style: chr3-45513153-G-C. GRCh37 (hg19) VCF-style: chr3-45554645-G-C.
Other names: c.1779G>C, p.Leu593= (NM_001368263.1).
Identifiers: ClinVar variation 681501 (VCV000681501.22), dbSNP rs148167639, ClinGen allele CA2349690.

ClinVar aggregate classification (germline): Benign/Likely benign. Review status: criteria provided, multiple submitters, no conflicts (2 of 4 stars). 4 submissions from 4 submitters: Benign (1); Likely benign (3). Last evaluated 2025-12-11.

Allele frequency attached by ClinVar (database versions not stated): gnomAD 0.00018 and 0.00029; gnomAD exomes 0.00021 and 0.00080; TOPMed 0.00045; ExAC 0.00081; 1000 Genomes Project 30x 0.00187; 1000 Genomes Project 0.00220.
gnomAD v4.1: 361 of 1,612,852 alleles (0.022%); highest among the groups gnomAD compares: East Asian, 0.62%; no homozygotes.

Submissions (4):

Labcorp Genetics (formerly Invitae), Labcorp
Classification: Benign. Last evaluated: 2025-12-11. Review status: criteria provided, single submitter. Criteria: Invitae Variant Classification Sherloc (09022015). Collection method: clinical testing. Allele origin: germline.

CeGaT Center for Human Genetics Tuebingen
Classification: Likely benign. Last evaluated: 2025-05-01. Review status: criteria provided, single submitter. Criteria: CeGaT Center For Human Genetics Tuebingen Variant Classification Criteria Version 2. Collection method: clinical testing. Allele origin: germline. Affected: yes. Observed: 1 variant allele.
Comment: LARS2: BP4, BP7

Blueprint Genetics
Classification: Likely benign. Last evaluated: 2024-09-09. Review status: criteria provided, single submitter. Criteria: ACMG Guidelines, 2015. Collection method: clinical testing. Allele origin: germline.

GeneDx
Classification: Likely benign. Last evaluated: 2020-09-24. Review status: criteria provided, single submitter. Criteria: GeneDx Variant Classification Process June 2021. Collection method: clinical testing. Allele origin: germline. Affected: yes.